The following is an entry in ClinVar:

ClinVar aggregate classification (germline): Uncertain significance (1 of 4 stars; one submission).

Conditions:
Kleefstra syndrome 1 (KLEFS1). Identifiers: Orphanet 261494, MedGen C0795833, MONDO:0027407, OMIM 610253.

Submission:

Labcorp Genetics (formerly Invitae), Labcorp
Classification: Uncertain significance for Kleefstra syndrome 1. Last evaluated: 2025-07-15. Review status: criteria provided, single submitter. Criteria: Invitae Variant Classification Sherloc (09022015). Collection method: clinical testing. Allele origin: germline.
Comment: This sequence change replaces serine, which is neutral and polar, with asparagine, which is neutral and polar, at codon 122 of the EHMT1 protein (p.Ser122Asn). This variant is not present in population databases (gnomAD no frequency). This variant has not been reported in the literature in individuals affected with EHMT1-related conditions. ClinVar contains an entry for this variant (Variation ID: 2768914). An algorithm developed to predict the effect of missense changes on protein structure and function (PolyPhen-2) suggests that this variant is likely to be disruptive. In summary, the available evidence is currently insufficient to determine the role of this variant in disease. Therefore, it has been classified as a Variant of Uncertain Significance.

NM_024757.5(EHMT1):c.365G>A (p.Ser122Asn)

Gene: EHMT1 (euchromatic histone lysine methyltransferase 1; plus strand). Cytogenetic location: 9q34.3.
Variant type: single nucleotide variant.
Coding change: c.365G>A on transcript NM_024757.5 (MANE Select); coding-DNA position 365, G replaced by A.
Protein change: p.Ser122Asn; replaces serine 122 with asparagine.
Molecular consequence: missense variant.
Genome position (GRCh38, 1-based): chr9:137,716,905, G>A. VCF-style: chr9-137716905-G-A. GRCh37 (hg19) VCF-style: chr9-140611357-G-A.
Other names: c.365G>A, p.Ser122Asn (NM_001145527.2, NM_001354263.2, NM_001354611.2); c.272G>A, p.Ser91Asn (NM_001354259.2, NM_001354612.2); short protein forms S91N, S122N.
Identifiers: ClinVar variation 2768914 (VCV002768914.3), dbSNP rs1407532809, ClinGen allele CA375764613.